The following is an entry in ClinVar:

ClinVar aggregate classification (germline): Likely benign (1 of 4 stars; one submission).

Allele frequency attached by ClinVar (database versions not stated): gnomAD exomes 0.00030; gnomAD 0.00039; ExAC 0.00042; TOPMed 0.00048; ESP Exome Variant Server 0.00054.
gnomAD v4.1: 496 of 1,553,880 alleles (0.032%); highest among the groups gnomAD compares: Middle Eastern, 0.11%; 3 homozygotes.

Submission:

CeGaT Center for Human Genetics Tuebingen
Classification: Likely benign. Last evaluated: 2024-03-01. Review status: criteria provided, single submitter. Criteria: CeGaT Center For Human Genetics Tuebingen Variant Classification Criteria Version 2. Collection method: clinical testing. Allele origin: germline. Affected: yes. Observed: 1 variant allele.
Comment: MIA2: BP4

NM_001329214.4(MIA2):c.3339C>T (p.Leu1113=)

Gene: MIA2 (MIA SH3 domain ER export factor 2; plus strand). Cytogenetic location: 14q21.1.
Variant type: single nucleotide variant.
Coding change: c.3339C>T on transcript NM_001329214.4 (MANE Select); coding-DNA position 3339, C replaced by T.
Protein change: p.Leu1113=; no amino-acid change (leucine 1113 retained).
Molecular consequence: synonymous variant. On other transcripts: non-coding transcript variant (3).
Genome position (GRCh38, 1-based): chr14:39,319,263, C>T. VCF-style: chr14-39319263-C-T. GRCh37 (hg19) VCF-style: chr14-39788467-C-T.
Other names: c.1428C>T, p.Leu476= (NM_001247988.1, NM_001354137.2, NM_001354138.1 and 3 more transcripts); c.1530C>T, p.Leu510= (NM_001247989.2); c.1290C>T, p.Leu430= (NM_001247990.2); c.1275C>T, p.Leu425= (NM_001354140.2, NM_001354141.2, NM_001354142.1 and 3 more transcripts); c.1479C>T, p.Leu493= (NM_001354146.2, NM_203354.3); c.1350C>T, p.Leu450= (NM_001354147.1, NM_001354149.1); c.1497C>T, p.Leu499= (NM_001354150.2); c.1542C>T, p.Leu514= (NM_001354151.2, NM_001354152.3); and 3 more.
Identifiers: ClinVar variation 3067199 (VCV003067199.21), dbSNP rs148300233, ClinGen allele CA7164627.